The following is an entry in ClinVar:

NM_014780.5(CUL7):c.4261A>G (p.Thr1421Ala)

Gene: CUL7 (cullin 7; minus strand). Cytogenetic location: 6p21.1.
Variant type: single nucleotide variant.
Coding change: c.4261A>G on transcript NM_014780.5 (MANE Select); coding-DNA position 4261, A replaced by G.
Protein change: p.Thr1421Ala; replaces threonine 1421 with alanine.
Molecular consequence: missense variant.
Genome position (GRCh38, 1-based): chr6:43,040,189, T>C on the plus strand (A>G on the coding strand, the complement: CUL7 is on the minus strand). VCF-style: chr6-43040189-T-C. GRCh37 (hg19) VCF-style: chr6-43007927-T-C.
Other names: c.4357A>G, p.Thr1453Ala (NM_001168370.2, NM_001374872.1); c.4261A>G, p.Thr1421Ala (NM_001374873.1); c.4258A>G, p.Thr1420Ala (NM_001374874.1); short protein forms T1420A, T1421A, T1453A.
Identifiers: ClinVar variation 726955 (VCV000726955.13), dbSNP rs191578513, ClinGen allele CA3813269.

ClinVar aggregate classification (germline): Benign/Likely benign. Review status: criteria provided, multiple submitters, no conflicts (2 of 4 stars). 3 submissions from 3 submitters: Benign (2); Likely benign (1). Last evaluated 2026-01-26.

Conditions:
3M syndrome 1. Also called: 3-M Syndrome, CUL7-Related. Identifiers: Orphanet 2616, MedGen C2678312, MONDO:0010117, OMIM 273750.

Allele frequency attached by ClinVar (database versions not stated): gnomAD exomes 0.00019 and 0.00096; gnomAD 0.00024 and 0.00029; TOPMed 0.00045; 1000 Genomes Project 30x 0.00047; 1000 Genomes Project 0.00060; ExAC 0.00092.
gnomAD v4.1: 321 of 1,614,082 alleles (0.02%); highest among the groups gnomAD compares: East Asian, 0.66%; 1 homozygote.

Submissions (3):

Labcorp Genetics (formerly Invitae), Labcorp
Classification: Benign. Last evaluated: 2026-01-26. Review status: criteria provided, single submitter. Criteria: Invitae Variant Classification Sherloc (09022015). Collection method: clinical testing. Allele origin: germline.

Blueprint Genetics
Classification: Likely benign. Last evaluated: 2024-10-04. Review status: criteria provided, single submitter. Criteria: ACMG Guidelines, 2015. Collection method: clinical testing. Allele origin: germline.

Illumina Laboratory Services, Illumina
Classification: Benign for 3M syndrome 1. Last evaluated: 2018-01-13. Review status: criteria provided, single submitter. Criteria: ICSL Variant Classification Criteria 13 December 2019. Collection method: clinical testing. Allele origin: germline.
Comment: This variant was observed in the ICSL laboratory as part of a predisposition screen in an ostensibly healthy population. It had not been previously curated by ICSL or reported in the Human Gene Mutation Database (HGMD: prior to June 1st, 2018), and was therefore a candidate for classification through an automated scoring system. Utilizing variant allele frequency, disease prevalence and penetrance estimates, and inheritance mode, an automated score was calculated to assess if this variant is too frequent to cause the disease. Based on the score and internal cut-off values, a variant classified as benign is not then subjected to further curation. The score for this variant resulted in a classification of benign for this disease.